The following is an entry in ClinVar:

NM_000441.2(SLC26A4):c.406_407dup (p.Val138fs)

Gene: SLC26A4 (solute carrier family 26 member 4; plus strand). Cytogenetic location: 7q22.3.
Variant type: Microsatellite.
Coding change: c.406_407dup on transcript NM_000441.2 (MANE Select); coding-DNA positions 406 to 407, 2 bases duplicated (AT; older notation c.406_407dupAT).
Protein change: p.Val138fs; shifts the reading frame from valine 138.
Molecular consequence: frameshift variant.
Genome position (GRCh38, 1-based): chr7:107,672,239-107,672,240, AT duplicated; duplicating any 2 consecutive bases within chr7:107,672,237-107,672,240 gives the same sequence; the c. name uses the placement nearest the transcript's 3' end. VCF-style (leftmost placement, unchanged base first): chr7-107672236-C-CAT. GRCh37 (hg19) VCF-style: chr7-107312681-C-CAT.
Other names: short protein forms V138fs.
Identifiers: ClinVar variation 1459818 (VCV001459818.6), dbSNP rs2129311273, ClinGen allele CA2580617071.
Genomic context (GRCh38, chr7:107,672,236, plus strand): 5'-TATGGTCTCTACTCTGCTTTTTTCCCTATCCTGACATACTTTATCTTTGGAACATCAAGA[C>CAT]ATATCTCAGTTGGTAATTATAAGTATATTTTACAATTATATTTGCTCATGTTTAAAGTGT-3'

ClinVar aggregate classification (germline): Pathogenic (1 of 4 stars; one submission).

Submission:

Labcorp Genetics (formerly Invitae), Labcorp
Classification: Pathogenic. Last evaluated: 2021-10-01. Review status: criteria provided, single submitter. Criteria: Invitae Variant Classification Sherloc (09022015). Collection method: clinical testing. Allele origin: germline.
Comment: This sequence change creates a premature translational stop signal (p.Val138Glnfs*8) in the SLC26A4 gene. It is expected to result in an absent or disrupted protein product. Loss-of-function variants in SLC26A4 are known to be pathogenic (PMID: 16283880, 25394566, 26252218, 26445815). For these reasons, this variant has been classified as Pathogenic. This variant has not been reported in the literature in individuals affected with SLC26A4-related conditions. This variant is not present in population databases (ExAC no frequency).

Literature cited by the submitters: PubMed 16283880; PubMed 25394566; PubMed 26252218; PubMed 26445815.